The following is an entry in ClinVar:

NM_012471.3(TRPC5):c.60G>C (p.Leu20=)

Gene: TRPC5 (transient receptor potential cation channel subfamily C member 5; minus strand). Cytogenetic location: Xq23.
Variant type: single nucleotide variant.
Coding change: c.60G>C on transcript NM_012471.3 (MANE Select); coding-DNA position 60, G replaced by C.
Protein change: p.Leu20=; no amino-acid change (leucine 20 retained).
Molecular consequence: synonymous variant.
Genome position (GRCh38, 1-based): chrX:111,952,361, C>G on the plus strand (G>C on the coding strand, the complement: TRPC5 is on the minus strand). VCF-style: chrX-111952361-C-G. GRCh37 (hg19) VCF-style: chrX-111195589-C-G.
Identifiers: ClinVar variation 4997451 (VCV004997451.1).
Genomic context (GRCh38, chrX:111,952,361, plus strand): 5'-CACAGCATTGAGGAAGGCCTTCTCCTCTGCAGAGAGCTCTGTCTCAGCCCTCACAATTTG[C>G]AGGGGGATGCGGTCTCTGTACGGTGAGTAGTTGACCTTTTTGTAGTACAGTTGGGCCATG-3'
Protein context (NP_036603.1, residues 10-30): NYSPYRDRIP[Leu20=]QIVRAETELS

ClinVar aggregate classification (germline): Likely benign (1 of 4 stars; one submission).

Conditions:
TRPC5-related disorder. Also called: TRPC5-related condition.

gnomAD v4.1: 23 of 1,209,959 alleles (0.0019%); highest among the groups gnomAD compares: Non-Finnish European, 0.0023%; no homozygotes.

Submission:

PreventionGenetics, part of Exact Sciences
Classification: Likely benign for TRPC5-related condition. Last evaluated: 2025-05-15. Review status: criteria provided, single submitter. Criteria: ACMG Guidelines, 2015. Collection method: clinical testing. Allele origin: germline.
Comment: This variant is classified as likely benign based on ACMG/AMP sequence variant interpretation guidelines (Richards et al. 2015 PMID: 25741868, with internal and published modifications).